The following is an entry in ClinVar:

NM_001145809.2(MYH14):c.4090C>A (p.Leu1364Ile)

Gene: MYH14 (myosin heavy chain 14; plus strand). Cytogenetic location: 19q13.33.
Variant type: single nucleotide variant.
Coding change: c.4090C>A on transcript NM_001145809.2 (MANE Select); coding-DNA position 4090, C replaced by A.
Protein change: p.Leu1364Ile; replaces leucine 1364 with isoleucine.
Molecular consequence: missense variant.
Genome position (GRCh38, 1-based): chr19:50,280,094, C>A. VCF-style: chr19-50280094-C-A. GRCh37 (hg19) VCF-style: chr19-50783351-C-A.
Other names: c.3991C>A, p.Leu1331Ile (NM_001077186.2); c.3967C>A, p.Leu1323Ile (NM_024729.4); short protein forms L1331I, L1364I, L1323I.
Identifiers: ClinVar variation 5001161 (VCV005001161.1).

ClinVar aggregate classification (germline): Uncertain significance (1 of 4 stars; one submission).

Conditions:
MYH14-related disorder. Also called: MYH14-related condition.

gnomAD v4.1: 12 of 1,610,712 alleles (0.00075%); highest among the groups gnomAD compares: Non-Finnish European, 0.001%; no homozygotes.

Submission:

PreventionGenetics, part of Exact Sciences
Classification: Uncertain significance for MYH14-related condition. Last evaluated: 2025-04-17. Review status: criteria provided, single submitter. Criteria: ACMG Guidelines, 2015. Collection method: clinical testing. Allele origin: germline.
Comment: The MYH14 c.4090C>A variant is predicted to result in the amino acid substitution p.Leu1364Ile. To our knowledge, this variant has not been reported in the literature or in a large population database (gnomAD), indicating this variant is rare. At this time, the clinical significance of this variant is uncertain due to the absence of conclusive functional and genetic evidence.